The following is an entry in ClinVar:

NM_000552.5(VWF):c.1451A>G (p.His484Arg)

Gene: VWF (von Willebrand factor; minus strand). Cytogenetic location: 12p13.31.
Variant type: single nucleotide variant.
Coding change: c.1451A>G on transcript NM_000552.5 (MANE Select); coding-DNA position 1451, A replaced by G.
Protein change: p.His484Arg; replaces histidine 484 with arginine.
Molecular consequence: missense variant.
Genome position (GRCh38, 1-based): chr12:6,063,036, T>C on the plus strand (A>G on the coding strand, the complement: VWF is on the minus strand). VCF-style: chr12-6063036-T-C. GRCh37 (hg19) VCF-style: chr12-6172202-T-C.
Other names: NM_000552.5(VWF):c.1451A>G; c.1451A>G (NM_000552.4); short protein forms H484R.
Identifiers: ClinVar variation 256654 (VCV000256654.23), dbSNP rs1800378, ClinGen allele CA6403395.

ClinVar aggregate classification (germline): Benign. Review status: reviewed by expert panel (3 of 4 stars). 13 submissions from 11 submitters: Benign (1). 12 of the submissions do not count toward it. Last evaluated 2026-03-03.

Conditions:
Hereditary von Willebrand disease. Identifiers: Orphanet 903, MedGen C5703318, MONDO:0019565. Inheritance: Autosomal recessive or Autosomal dominant.
von Willebrand disease type 2 (VWD2). Also called: VON WILLEBRAND DISEASE, TYPE 2A/IIE; VON WILLEBRAND DISEASE, TYPE 2CB; VON WILLEBRAND DISEASE, TYPE II; VWD, TYPE 2. Identifiers: Orphanet 166081, Orphanet 903, MedGen C1264040, MONDO:0013304, OMIM 613554.
von Willebrand disease type 1 (VWD1). Also called: VON WILLEBRAND DISEASE, TYPE I; VWD, TYPE 1. Identifiers: Orphanet 166078, Orphanet 903, MedGen C1264039, MONDO:0008668, OMIM 193400. Inheritance: autosomal recessive or autosomal dominant.
von Willebrand disease type 3 (VWD3). Also called: Type 3 Von Willebrand's disease; Type 3 VWD; Von Willebrand disease, severe form; V WD3; VON WILLEBRAND DISEASE, TYPE III. Identifiers: Orphanet 166096, MedGen C1264041, MONDO:0010191, OMIM 277480.

Allele frequency attached by ClinVar (database versions not stated): 1000 Genomes Project 30x 0.50172; TOPMed 0.50225; ESP Exome Variant Server 0.50861; gnomAD 0.51348 and 0.52488; 1000 Genomes Project 0.51877.
gnomAD v4.1: 1,014,527 of 1,612,716 alleles (63%); highest among the groups gnomAD compares: South Asian, 71%; 327,980 homozygotes.

Submissions (13):

ClinGen von Willebrand Disease Variant Curation Expert Panel, ClinGen
Classification: Benign for Hereditary von Willebrand disease. Last evaluated: 2026-03-03. Review status: reviewed by expert panel. Criteria: ClinGen VWD 2A B M Rules. Collection method: curation. Allele origin: germline.
Comment: The NM_000552.5:c.1451A>G variant in VWF is a missense variant predicted to cause substitution of histidine by arginine at amino acid 484. The Grpmax filtering allele frequency in gnomAD v4.1 is 0.7007 (based on 64214/91042 alleles in the south Asian population, including 22835 homozygotes), which is higher than the ClinGen VWD VCEP threshold of >0.1 for BA1. The computational predictor REVEL gives a score of 0.0630, which is below the ClinGen VWD VCEP threshold of <0.290 and does not predict a damaging effect on VWF function (BP4). Additionally, the computational splicing predictor SpliceAI indicated that the variant has no impact on splicing. This variant is also referenced as a polymorphic variant in several reports (PMIDs 38308883, 37017006). In summary, this variant meets the criteria to be classified as benign for hereditary von Willebrand disease based on the ACMG/AMP criteria applied, as specified by the ClinGen VWD VCEP: BA1, BP4

Women's Health and Genetics/Laboratory Corporation of America, LabCorp
Classification: Benign. Last evaluated: 2026-05-11. Review status: criteria provided, single submitter. Criteria: LabCorp Variant Classification Summary - May 2015. Collection method: clinical testing. Allele origin: germline. Not counted in ClinVar's aggregate classification.

ARUP Laboratories, Molecular Genetics and Genomics, ARUP Laboratories
Classification: Benign. Last evaluated: 2025-07-30. Review status: criteria provided, single submitter. Criteria: ARUP Molecular Germline Variant Investigation Process 2024. Collection method: clinical testing. Allele origin: germline. Not counted in ClinVar's aggregate classification.

Blueprint Genetics
Classification: Likely benign. Last evaluated: 2024-11-27. Review status: criteria provided, single submitter. Criteria: ACMG Guidelines, 2015. Collection method: clinical testing. Allele origin: germline. Not counted in ClinVar's aggregate classification.

Genome-Nilou Lab
Classification: Benign for von Willebrand disease type 1. Last evaluated: 2021-12-05. Review status: criteria provided, single submitter. Criteria: ACMG Guidelines, 2015. Collection method: clinical testing. Allele origin: germline. Affected: no. Not counted in ClinVar's aggregate classification.

Genome-Nilou Lab
Classification: Benign for von Willebrand disease type 3. Last evaluated: 2021-12-05. Review status: criteria provided, single submitter. Criteria: ACMG Guidelines, 2015. Collection method: clinical testing. Allele origin: germline. Affected: no. Not counted in ClinVar's aggregate classification.

Genome-Nilou Lab
Classification: Benign for von Willebrand disease type 2. Last evaluated: 2021-12-05. Review status: criteria provided, single submitter. Criteria: ACMG Guidelines, 2015. Collection method: clinical testing. Allele origin: germline. Affected: no. Not counted in ClinVar's aggregate classification.

Mayo Clinic Laboratories, Mayo Clinic
Classification: Benign. Last evaluated: 2016-05-26. Review status: criteria provided, single submitter. Criteria: ACMG Guidelines, 2015. Collection method: clinical testing. Allele origin: germline. Observed: 665 variant alleles. Not counted in ClinVar's aggregate classification.

Breakthrough Genomics
Classification: Likely benign. Review status: criteria provided, single submitter. Criteria: ACMG Guidelines, 2015. Collection method: not provided. Allele origin: germline. Inheritance: Autosomal recessive inheritance. Affected: yes. Not counted in ClinVar's aggregate classification.

PreventionGenetics, part of Exact Sciences
Classification: Benign. Review status: criteria provided, single submitter. Criteria: ACMG Guidelines, 2015. Collection method: clinical testing. Allele origin: germline. Not counted in ClinVar's aggregate classification.

Department of Pathology and Laboratory Medicine, Sinai Health System
Classification: Uncertain significance. Review status: no assertion criteria provided. Collection method: clinical testing. Allele origin: unknown. Affected: yes. Study: The Canadian Open Genetics Repository (COGR). Not counted in ClinVar's aggregate classification.
Comment: Allele frequency is common in at least one population database (frequency: 73.314% in gnomAD_ExomesFounderPop) based on the frequency threshold of 0.5% for this gene. Variant was observed in a homozygous state in population databases more than expected for disease.

Diagnostic Laboratory, Department of Genetics, University Medical Center Groningen
Classification: Benign. Review status: no assertion criteria provided. Collection method: clinical testing. Allele origin: germline. Affected: yes. Study: VKGL Data-share Consensus. Not counted in ClinVar's aggregate classification.

Joint Genome Diagnostic Labs from Nijmegen and Maastricht, Radboudumc and MUMC+
Classification: Benign. Review status: no assertion criteria provided. Collection method: clinical testing. Allele origin: germline. Affected: yes. Study: VKGL Data-share Consensus. Not counted in ClinVar's aggregate classification.